The following is an entry in ClinVar:

NM_001170700.3(DTHD1):c.1007T>C (p.Val336Ala)

Gene: DTHD1 (death domain containing 1; plus strand). Cytogenetic location: 4p14.
Variant type: single nucleotide variant.
Coding change: c.1007T>C on transcript NM_001170700.3 (MANE Select); coding-DNA position 1007, T replaced by C.
Protein change: p.Val336Ala; replaces valine 336 with alanine.
Molecular consequence: missense variant. On other transcripts: non-coding transcript variant (2).
Genome position (GRCh38, 1-based): chr4:36,290,492, T>C. VCF-style: chr4-36290492-T-C. GRCh37 (hg19) VCF-style: chr4-36292114-T-C.
Other names: c.632T>C (NM_001170700.1); c.137T>C, p.Val46Ala (NM_001136536.5, NM_001378435.1); short protein forms V46A, V336A.
Identifiers: ClinVar variation 1503803 (VCV001503803.9), dbSNP rs1393697366, ClinGen allele CA356678829.

ClinVar aggregate classification (germline): Uncertain significance. Review status: criteria provided, multiple submitters, no conflicts (2 of 4 stars). 2 submissions from 2 submitters: Uncertain significance (2). Last evaluated 2023-05-31.

Allele frequency attached by ClinVar (database versions not stated): gnomAD exomes below 0.00001 and 0.00001.
gnomAD v4.1: 5 of 1,551,648 alleles (0.00032%); highest among the groups gnomAD compares: East Asian, 0.0024%; no homozygotes.

Submissions (2):

Ambry Genetics
Classification: Uncertain significance. Last evaluated: 2023-05-31. Review status: criteria provided, single submitter. Criteria: Ambry Variant Classification Scheme 2023. Collection method: clinical testing. Allele origin: germline.

Labcorp Genetics (formerly Invitae), Labcorp
Classification: Uncertain significance. Last evaluated: 2021-03-06. Review status: criteria provided, single submitter. Criteria: Invitae Variant Classification Sherloc (09022015). Collection method: clinical testing. Allele origin: germline.
Comment: In summary, the available evidence is currently insufficient to determine the role of this variant in disease. Therefore, it has been classified as a Variant of Uncertain Significance. Algorithms developed to predict the effect of missense changes on protein structure and function are either unavailable or do not agree on the potential impact of this missense change (SIFT: "Deleterious"; PolyPhen-2: "Probably Damaging"; Align-GVGD: "Class C0"). This variant has not been reported in the literature in individuals with DTHD1-related conditions. This variant is not present in population databases (ExAC no frequency). This sequence change replaces valine with alanine at codon 46 of the DTHD1 protein (p.Val46Ala). The valine residue is highly conserved and there is a small physicochemical difference between valine and alanine.